The following is an entry in ClinVar:

ClinVar aggregate classification (germline): Likely benign. Review status: criteria provided, multiple submitters, no conflicts (2 of 4 stars). 2 submissions from 2 submitters: Likely benign (2). Last evaluated 2018-06-19.

Allele frequency attached by ClinVar (database versions not stated): gnomAD exomes 0.00119; 1000 Genomes Project 0.00759; gnomAD 0.00807 and 0.00867; TOPMed 0.00887; 1000 Genomes Project 30x 0.00890.

Submissions (2):

GeneDx
Classification: Likely benign. Last evaluated: 2018-06-19. Review status: criteria provided, single submitter. Criteria: GeneDx Variant Classification (06012015). Collection method: clinical testing. Allele origin: germline. Affected: yes.
Comment: This variant is considered likely benign or benign based on one or more of the following criteria: it is a conservative change, it occurs at a poorly conserved position in the protein, it is predicted to be benign by multiple in silico algorithms, and/or has population frequency not consistent with disease.

Breakthrough Genomics
Classification: Likely benign. Review status: criteria provided, single submitter. Criteria: ACMG Guidelines, 2015. Collection method: not provided. Allele origin: germline. Inheritance: Autosomal recessive inheritance. Affected: yes.

NM_017909.4(RMND1):c.505-56G>A

Gene: RMND1 (required for meiotic nuclear division 1 homolog; minus strand). Cytogenetic location: 6q25.1.
Variant type: single nucleotide variant.
Coding change: c.505-56G>A on transcript NM_017909.4 (MANE Select); 56 bases into the intron before coding-DNA position 505, G replaced by A.
Molecular consequence: intron variant.
Genome position (GRCh38, 1-based): chr6:151,436,610, C>T on the plus strand (G>A on the coding strand, the complement: RMND1 is on the minus strand). VCF-style: chr6-151436610-C-T. GRCh37 (hg19) VCF-style: chr6-151757745-C-T.
Other names: c.-6-56G>A (NM_001271937.2).
Identifiers: ClinVar variation 676325 (VCV000676325.2), dbSNP rs114854013, ClinGen allele CA150120899.